The following is an entry in ClinVar:

NM_001436401.1(NOBOX):c.1138del (p.Cys380fs)

Gene: NOBOX (NOBOX oogenesis homeobox; minus strand). Cytogenetic location: 7q35.
Variant type: Deletion.
Coding change: c.1138del on transcript NM_001436401.1 (MANE Select); coding-DNA position 1138, one base deleted (T; older notation c.1138delT).
Protein change: p.Cys380fs; shifts the reading frame from cysteine 380.
Molecular consequence: frameshift variant.
Genome position (GRCh38, 1-based): chr7:144,398,567, A deleted on the plus strand (T on the coding strand, the reverse complement: NOBOX is on the minus strand). VCF-style (leftmost placement, unchanged base first): chr7-144398566-CA-C. GRCh37 (hg19) VCF-style: chr7-144095659-CA-C.
Other names: NM_001080413.3:c.1489delT; c.586del, p.Cys196fs (NM_001436402.1); short protein forms C196fs, C380fs.
Identifiers: ClinVar variation 2630292 (VCV002630292.1), dbSNP rs991077121, ClinGen allele CA168306568.

ClinVar aggregate classification (germline): Likely pathogenic (1 of 4 stars; one submission).

Conditions:
NOBOX-related disorder. Also called: NOBOX-related condition.

Allele frequency attached by ClinVar (database versions not stated): TOPMed 0.00001; gnomAD exomes 0.00001.

Submission:

PreventionGenetics, part of Exact Sciences
Classification: Likely pathogenic for NOBOX-related condition. Last evaluated: 2023-02-08. Review status: criteria provided, single submitter. Criteria: ACMG Guidelines, 2015. Collection method: clinical testing. Allele origin: germline.
Comment: The NOBOX c.1489delT variant is predicted to result in a frameshift and premature protein termination (p.Cys497Valfs*53). This variant is reported in 0.012% of alleles in individuals of Latino descent in gnomAD. Frameshift variants in NOBOX are expected to be pathogenic. Taken together, this variant is interpreted as likely pathogenic.